The following is an entry in ClinVar:

ClinVar aggregate classification (germline): Uncertain significance (1 of 4 stars; one submission).

Conditions:
Familial cancer of breast. Also called: Hereditary breast cancer; BREAST CANCER, FAMILIAL; hereditary breast carcinoma. Identifiers: Orphanet 227535, MedGen C0346153, MONDO:0016419, OMIM 114480. Disease mechanism: loss of function.

Submission:

Labcorp Genetics (formerly Invitae), Labcorp
Classification: Uncertain significance for Familial cancer of breast. Last evaluated: 2021-09-24. Review status: criteria provided, single submitter. Criteria: Invitae Variant Classification Sherloc (09022015). Collection method: clinical testing. Allele origin: germline.
Comment: In summary, the available evidence is currently insufficient to determine the role of this variant in disease. Therefore, it has been classified as a Variant of Uncertain Significance. Algorithms developed to predict the effect of missense changes on protein structure and function are either unavailable or do not agree on the potential impact of this missense change (SIFT: "Deleterious"; PolyPhen-2: "Probably Damaging"; Align-GVGD: "Class C0"). ClinVar contains an entry for this variant (Variation ID: 1020022). This variant has not been reported in the literature in individuals affected with CHEK2-related conditions. This variant is not present in population databases (ExAC no frequency). This sequence change replaces arginine with glycine at codon 240 of the CHEK2 protein (p.Arg240Gly). The arginine residue is moderately conserved and there is a moderate physicochemical difference between arginine and glycine.

NM_007194.4(CHEK2):c.718A>G (p.Arg240Gly)

Gene: CHEK2 (checkpoint kinase 2; minus strand). Cytogenetic location: 22q12.1.
Variant type: single nucleotide variant.
Coding change: c.718A>G on transcript NM_007194.4 (MANE Select); coding-DNA position 718, A replaced by G.
Protein change: p.Arg240Gly; replaces arginine 240 with glycine.
Molecular consequence: missense variant.
Genome position (GRCh38, 1-based): chr22:28,711,983, T>C on the plus strand (A>G on the coding strand, the complement: CHEK2 is on the minus strand). VCF-style: chr22-28711983-T-C. GRCh37 (hg19) VCF-style: chr22-29107971-T-C.
Other names: c.847A>G, p.Arg283Gly (NM_001005735.3); c.55A>G, p.Arg19Gly (NM_001257387.3); c.517A>G, p.Arg173Gly (NM_001349956.3); c.718A>G, p.Arg240Gly (NM_145862.3); short protein forms R173G, R19G, R240G, R283G.
Identifiers: ClinVar variation 1020022 (VCV001020022.8), dbSNP rs2053414553, ClinGen allele CA411103372.